The following is an entry in ClinVar:

ClinVar aggregate classification (germline): Pathogenic (1 of 4 stars; one submission).

Submission:

Labcorp Genetics (formerly Invitae), Labcorp
Classification: Pathogenic. Last evaluated: 2025-04-24. Review status: criteria provided, single submitter. Criteria: Invitae Variant Classification Sherloc (09022015). Collection method: clinical testing. Allele origin: germline.
Comment: This sequence change creates a premature translational stop signal (p.Pro729Argfs*20) in the SLC24A1 gene. It is expected to result in an absent or disrupted protein product. Loss-of-function variants in SLC24A1 are known to be pathogenic (PMID: 20850105, 26822852). This variant is present in population databases (no rsID available, gnomAD 0.01%). This variant has not been reported in the literature in individuals affected with SLC24A1-related conditions. For these reasons, this variant has been classified as Pathogenic.

Literature cited by the submitters: PubMed 20850105; PubMed 26822852.

NM_004727.3(SLC24A1):c.2186_2187del (p.Pro729fs)

Gene: SLC24A1 (solute carrier family 24 member 1; plus strand). Cytogenetic location: 15q22.31.
Variant type: Deletion.
Coding change: c.2186_2187del on transcript NM_004727.3 (MANE Select); coding-DNA positions 2186 to 2187, 2 bases deleted (CT; older notation c.2186_2187delCT).
Protein change: p.Pro729fs; shifts the reading frame from proline 729.
Molecular consequence: frameshift variant. On other transcripts: intron variant (1).
Genome position (GRCh38, 1-based): chr15:65,645,657-65,645,658, CT deleted. VCF-style (leftmost placement, unchanged base first): chr15-65645656-CCT-C. GRCh37 (hg19) VCF-style: chr15-65937994-CCT-C.
Other names: c.167_168del, p.Pro56fs (NM_001254740.2); c.2186_2187del, p.Pro729fs (NM_001301031.1); c.2132_2133del, p.Pro711fs (NM_001301032.1, NM_001301033.2); c.1891-4725_1891-4724del (NM_001411142.1); short protein forms P56fs, P711fs, P729fs.
Identifiers: ClinVar variation 4736964 (VCV004736964.1).